The following is an entry in ClinVar:

ClinVar aggregate classification (germline): Benign. Review status: criteria provided, multiple submitters, no conflicts (2 of 4 stars). 2 submissions from 2 submitters: Benign (2). Last evaluated 2018-01-13.

Conditions:
D-2-hydroxyglutaric aciduria 1 (D2HGA1). Identifiers: Orphanet 79315, MedGen C3152055, MONDO:0024554, OMIM 600721.

Allele frequency attached by ClinVar (database versions not stated): gnomAD 0.16462 and 0.16469; TOPMed 0.17217; gnomAD exomes 0.18182; 1000 Genomes Project 30x 0.18317; 1000 Genomes Project 0.18351.
gnomAD v4.1: 25,075 of 152,218 alleles (16%); highest among the groups gnomAD compares: Admixed American, 21%; 2,174 homozygotes.

Submissions (2):

Illumina Laboratory Services, Illumina
Classification: Benign for D-2-hydroxyglutaric aciduria 1. Last evaluated: 2018-01-13. Review status: criteria provided, single submitter. Criteria: ICSL Variant Classification Criteria 13 December 2019. Collection method: clinical testing. Allele origin: germline.
Comment: This variant was observed in the ICSL laboratory as part of a predisposition screen in an ostensibly healthy population. It had not been previously curated by ICSL or reported in the Human Gene Mutation Database (HGMD: prior to June 1st, 2018), and was therefore a candidate for classification through an automated scoring system. Utilizing variant allele frequency, disease prevalence and penetrance estimates, and inheritance mode, an automated score was calculated to assess if this variant is too frequent to cause the disease. Based on the score and internal cut-off values, a variant classified as benign is not then subjected to further curation. The score for this variant resulted in a classification of benign for this disease.

Breakthrough Genomics
Classification: Benign. Review status: criteria provided, single submitter. Criteria: ACMG Guidelines, 2015. Collection method: not provided. Allele origin: germline. Inheritance: Autosomal recessive inheritance. Affected: yes.

NM_152783.5(D2HGDH):c.*801A>G

Gene: D2HGDH (D-2-hydroxyglutarate dehydrogenase; plus strand). Cytogenetic location: 2q37.3.
Variant type: single nucleotide variant.
Coding change: c.*801A>G on transcript NM_152783.5 (MANE Select); 801 bases downstream of the stop codon, A replaced by G.
Molecular consequence: 3 prime UTR variant. On other transcripts: non-coding transcript variant (1).
Genome position (GRCh38, 1-based): chr2:241,768,770, A>G. VCF-style: chr2-241768770-A-G. GRCh37 (hg19) VCF-style: chr2-242708185-A-G.
Other names: c.*801A>G (NM_001287249.2, NM_001352824.2).
Identifiers: ClinVar variation 335350 (VCV000335350.6), dbSNP rs35671465, ClinGen allele CA10612941.